The following is an entry in ClinVar:

ClinVar aggregate classification (germline): Uncertain significance (1 of 4 stars; one submission).

Conditions:
Brachyolmia-amelogenesis imperfecta syndrome. Also called: PLATYSPONDYLY WITH AMELOGENESIS IMPERFECTA; Tooth agenesis, selective, 6; Dental anomalies and short stature. Identifiers: Orphanet 2899, MedGen C1832594, MONDO:0011018, OMIM 601216. Disease mechanism: loss of function.

gnomAD v4.1: 3 of 1,527,428 alleles (0.0002%); highest among the groups gnomAD compares: African/African-American, 0.0042%; no homozygotes.

Submission:

Labcorp Genetics (formerly Invitae), Labcorp
Classification: Uncertain significance for Brachyolmia-amelogenesis imperfecta syndrome. Last evaluated: 2025-06-11. Review status: criteria provided, single submitter. Criteria: Invitae Variant Classification Sherloc (09022015). Collection method: clinical testing. Allele origin: germline.
Comment: This sequence change replaces glycine, which is neutral and non-polar, with aspartic acid, which is acidic and polar, at codon 1146 of the LTBP3 protein (p.Gly1146Asp). This variant is not present in population databases (gnomAD no frequency). This variant has not been reported in the literature in individuals affected with LTBP3-related conditions. An algorithm developed to predict the effect of missense changes on protein structure and function (PolyPhen-2) suggests that this variant is likely to be disruptive. In summary, the available evidence is currently insufficient to determine the role of this variant in disease. Therefore, it has been classified as a Variant of Uncertain Significance.

NM_001130144.3(LTBP3):c.3437G>A (p.Gly1146Asp)

Gene: LTBP3 (latent transforming growth factor beta binding protein 3; minus strand). Cytogenetic location: 11q13.1.
Variant type: single nucleotide variant.
Coding change: c.3437G>A on transcript NM_001130144.3 (MANE Select); coding-DNA position 3437, G replaced by A.
Protein change: p.Gly1146Asp; replaces glycine 1146 with aspartic acid.
Molecular consequence: missense variant.
Genome position (GRCh38, 1-based): chr11:65,539,830, C>T on the plus strand (G>A on the coding strand, the complement: LTBP3 is on the minus strand). VCF-style: chr11-65539830-C-T. GRCh37 (hg19) VCF-style: chr11-65307301-C-T.
Other names: c.2945G>A, p.Gly982Asp (NM_001164266.1); c.3296G>A, p.Gly1099Asp (NM_021070.4); short protein forms G1099D, G982D, G1146D.
Identifiers: ClinVar variation 4764019 (VCV004764019.1).